The following is an entry in ClinVar:

ClinVar aggregate classification (germline): Uncertain significance (1 of 4 stars; one submission).

gnomAD v4.1: 1 of 1,613,952 alleles (0.000062%); no homozygotes.

Submission:

Labcorp Genetics (formerly Invitae), Labcorp
Classification: Uncertain significance. Last evaluated: 2025-09-21. Review status: criteria provided, single submitter. Criteria: Invitae Variant Classification Sherloc (09022015). Collection method: clinical testing. Allele origin: germline.
Comment: This sequence change replaces tryptophan, which is neutral and slightly polar, with cysteine, which is neutral and slightly polar, at codon 1055 of the DCHS1 protein (p.Trp1055Cys). This variant is not present in population databases (gnomAD no frequency). This variant has not been reported in the literature in individuals affected with DCHS1-related conditions. Invitae Evidence Modeling of protein sequence and biophysical properties (such as structural, functional, and spatial information, amino acid conservation, physicochemical variation, residue mobility, and thermodynamic stability) indicates that this missense variant is not expected to disrupt DCHS1 protein function with a negative predictive value of 80%. In summary, the available evidence is currently insufficient to determine the role of this variant in disease. Therefore, it has been classified as a Variant of Uncertain Significance.

NM_003737.4(DCHS1):c.3165G>C (p.Trp1055Cys)

Gene: DCHS1 (dachsous cadherin-related 1; minus strand). Cytogenetic location: 11p15.4.
Variant type: single nucleotide variant.
Coding change: c.3165G>C on transcript NM_003737.4 (MANE Select); coding-DNA position 3165, G replaced by C.
Protein change: p.Trp1055Cys; replaces tryptophan 1055 with cysteine.
Molecular consequence: missense variant.
Genome position (GRCh38, 1-based): chr11:6,632,347, C>G on the plus strand (G>C on the coding strand, the complement: DCHS1 is on the minus strand). VCF-style: chr11-6632347-C-G. GRCh37 (hg19) VCF-style: chr11-6653578-C-G.
Other names: short protein forms W1055C.
Identifiers: ClinVar variation 4809498 (VCV004809498.1).